The following is an entry in ClinVar:

ClinVar aggregate classification (germline): Likely benign. Review status: criteria provided, multiple submitters, no conflicts (2 of 4 stars). 2 submissions from 2 submitters: Likely benign (2). Last evaluated 2025-08-12.

Allele frequency attached by ClinVar (database versions not stated): gnomAD 0.00004 and 0.00010; TOPMed 0.00005; gnomAD exomes 0.00009 and 0.00013; ExAC 0.00015; 1000 Genomes Project 30x 0.00047; 1000 Genomes Project 0.00060.
gnomAD v4.1: 137 of 1,613,550 alleles (0.0085%); highest among the groups gnomAD compares: South Asian, 0.11%; 1 homozygote.

Submissions (2):

Labcorp Genetics (formerly Invitae), Labcorp
Classification: Likely benign. Last evaluated: 2025-08-12. Review status: criteria provided, single submitter. Criteria: Invitae Variant Classification Sherloc (09022015). Collection method: clinical testing. Allele origin: germline.

Laboratory for Molecular Medicine, Mass General Brigham Personalized Medicine
Classification: Likely benign. Last evaluated: 2023-03-30. Review status: criteria provided, single submitter. Criteria: ACMG Guidelines, 2015. Collection method: clinical testing. Allele origin: germline.
Comment: The p.Arg382His variant in ESRRB is classified as likely benign due to a lack of conservation across species. 3 mammals (Chinchilla, brush-tailed rat and elephant shrew) carry a Histidine (His) at this position despite high nearby amino acid conservation. It has been identified in 0.14% (7/4832) of South Asian and 0.007% (5/68026) chromosomes by gnomAD v.3. ACMG/AMP Criteria applied: BP4_Strong, BS1_Supporting.

NM_001379180.1(ESRRB):c.1208G>A (p.Arg403His)

Gene: ESRRB (estrogen related receptor beta; plus strand). Cytogenetic location: 14q24.3.
Variant type: single nucleotide variant.
Coding change: c.1208G>A on transcript NM_001379180.1 (MANE Select); coding-DNA position 1208, G replaced by A.
Protein change: p.Arg403His; replaces arginine 403 with histidine.
Molecular consequence: missense variant.
Genome position (GRCh38, 1-based): chr14:76,498,301, G>A. VCF-style: chr14-76498301-G-A. GRCh37 (hg19) VCF-style: chr14-76964644-G-A.
Other names: c.1145G>A, p.Arg382His (NM_004452.4); short protein forms R382H, R403H.
Identifiers: ClinVar variation 1619682 (VCV001619682.10), dbSNP rs557399970, ClinGen allele CA7281796.